The following is an entry in ClinVar:

ClinVar aggregate classification (germline): Uncertain significance (1 of 4 stars; one submission).

Submission:

Labcorp Genetics (formerly Invitae), Labcorp
Classification: Uncertain significance. Last evaluated: 2022-09-23. Review status: criteria provided, single submitter. Criteria: Invitae Variant Classification Sherloc (09022015). Collection method: clinical testing. Allele origin: germline.
Comment: This variant is not present in population databases (gnomAD no frequency). This sequence change replaces glycine, which is neutral and non-polar, with arginine, which is basic and polar, at codon 879 of the COL4A4 protein (p.Gly879Arg). This variant has not been reported in the literature in individuals affected with COL4A4-related conditions. In summary, the available evidence is currently insufficient to determine the role of this variant in disease. Therefore, it has been classified as a Variant of Uncertain Significance. Advanced modeling of protein sequence and biophysical properties (such as structural, functional, and spatial information, amino acid conservation, physicochemical variation, residue mobility, and thermodynamic stability) performed at Invitae indicates that this missense variant is expected to disrupt COL4A4 protein function.

NM_000092.5(COL4A4):c.2635G>A (p.Gly879Arg)

Gene: COL4A4 (collagen type IV alpha 4 chain; minus strand). Cytogenetic location: 2q36.3.
Variant type: single nucleotide variant.
Coding change: c.2635G>A on transcript NM_000092.5 (MANE Select); coding-DNA position 2635, G replaced by A.
Protein change: p.Gly879Arg; replaces glycine 879 with arginine.
Molecular consequence: missense variant.
Genome position (GRCh38, 1-based): chr2:227,056,026, C>T on the plus strand (G>A on the coding strand, the complement: COL4A4 is on the minus strand). VCF-style: chr2-227056026-C-T. GRCh37 (hg19) VCF-style: chr2-227920742-C-T.
Other names: short protein forms G879R.
Identifiers: ClinVar variation 1715938 (VCV001715938.5), dbSNP rs2474119836, ClinGen allele CA350840970.